The following is an entry in ClinVar:

NM_031935.3(HMCN1):c.10573G>A (p.Glu3525Lys)

Gene: HMCN1 (hemicentin 1; plus strand). Cytogenetic location: 1q31.1.
Variant type: single nucleotide variant.
Coding change: c.10573G>A on transcript NM_031935.3 (MANE Select); coding-DNA position 10573, G replaced by A.
Protein change: p.Glu3525Lys; replaces glutamic acid 3525 with lysine.
Molecular consequence: missense variant.
Genome position (GRCh38, 1-based): chr1:186,095,521, G>A. VCF-style: chr1-186095521-G-A. GRCh37 (hg19) VCF-style: chr1-186064653-G-A.
Other names: short protein forms E3525K.
Identifiers: ClinVar variation 2165047 (VCV002165047.4), dbSNP rs767413112, ClinGen allele CA1293750.
Genomic context (GRCh38, chr1:186,095,521, plus strand): 5'-ACCTGCATTGCCTCAAATGAAGCTGGAGAAGTCAGCAAGCACTTTATCCTCAAGGTCCTA[G>A]GTATGTAAACATTGTGGTAAATGTAGAATAATTGGAAAGTAAGTGATAGTGAATGTTTAG-3'
Protein context (NP_114141.2, residues 3515-3535): VSKHFILKVL[Glu3525Lys]PPHINGSEEH

ClinVar aggregate classification (germline): Uncertain significance (1 of 4 stars; one submission).

Allele frequency attached by ClinVar (database versions not stated): gnomAD 0.00001.
gnomAD v4.1: 4 of 1,613,072 alleles (0.00025%); highest among the groups gnomAD compares: Non-Finnish European, 0.00025%; no homozygotes.

Submission:

Labcorp Genetics (formerly Invitae), Labcorp
Classification: Uncertain significance. Last evaluated: 2024-04-29. Review status: criteria provided, single submitter. Criteria: Invitae Variant Classification Sherloc (09022015). Collection method: clinical testing. Allele origin: germline.
Comment: This sequence change affects codon 3525 of the HMCN1 mRNA. It is a 'silent' change, meaning that it does not change the encoded amino acid sequence of the HMCN1 protein. This variant also falls at the last nucleotide of exon 68, which is part of the consensus splice site for this exon. This variant is present in population databases (rs767413112, gnomAD 0.01%). This variant has not been reported in the literature in individuals affected with HMCN1-related conditions. ClinVar contains an entry for this variant (Variation ID: 2165047). An algorithm developed to predict the effect of missense changes on protein structure and function (PolyPhen-2) suggests that this variant is likely to be tolerated. Variants that disrupt the consensus splice site are a relatively common cause of aberrant splicing (PMID: 17576681, 9536098). Algorithms developed to predict the effect of sequence changes on RNA splicing suggest that this variant may disrupt the consensus splice site. In summary, the available evidence is currently insufficient to determine the role of this variant in disease. Therefore, it has been classified as a Variant of Uncertain Significance.

Literature cited by the submitters: PubMed 17576681; PubMed 9536098.